The following is an entry in ClinVar:

NM_000088.4(COL1A1):c.650T>C (p.Met217Thr)

Gene: COL1A1 (collagen type I alpha 1 chain; minus strand). Cytogenetic location: 17q21.33.
Variant type: single nucleotide variant.
Coding change: c.650T>C on transcript NM_000088.4 (MANE Select); coding-DNA position 650, T replaced by C.
Protein change: p.Met217Thr; replaces methionine 217 with threonine.
Molecular consequence: missense variant.
Genome position (GRCh38, 1-based): chr17:50,197,778, A>G on the plus strand (T>C on the coding strand, the complement: COL1A1 is on the minus strand). VCF-style: chr17-50197778-A-G. GRCh37 (hg19) VCF-style: chr17-48275139-A-G.
Other names: short protein forms M217T.
Identifiers: ClinVar variation 1514618 (VCV001514618.8), dbSNP rs2144586081, ClinGen allele CA400224821.
Genomic context (GRCh38, chr17:50,197,778, plus strand): 5'-CTGGGGATACTTACATCATCTCCATTCTTTCCAGGGGGACCTGGGGGACCTCGGGGACCC[A>G]TGGGACCCTAGAAAAGATAGAAGAGGTGGTTAGAATATGGATAAGAAAAAAAGAAGGGGA-3'
Protein context (NP_000079.2, residues 207-227): EPGEPGASGP[Met217Thr]GPRGPPGPPG

ClinVar aggregate classification (germline): Uncertain significance (1 of 4 stars; one submission).

Conditions:
Osteogenesis imperfecta type I (OI1). Also called: Lobstein disease; Osteogenesis imperfecta type 1; Lobstein's Disease; Classic Non-deforming Osteogenesis Imperfecta with Blue Sclerae; OI, TYPE I; OSTEOGENESIS IMPERFECTA TARDA. Identifiers: Orphanet 216796, Orphanet 666, MedGen C0023931, MONDO:0008146, OMIM 166200. Disease mechanism: loss of function.

Allele frequency attached by ClinVar (database versions not stated): gnomAD exomes below 0.00001.
gnomAD v4.1: 1 of 1,608,836 alleles (0.000062%); highest among the groups gnomAD compares: Non-Finnish European, 0.000085%; no homozygotes.

Submission:

Labcorp Genetics (formerly Invitae), Labcorp
Classification: Uncertain significance for Osteogenesis imperfecta type I. Last evaluated: 2021-03-07. Review status: criteria provided, single submitter. Criteria: Invitae Variant Classification Sherloc (09022015). Collection method: clinical testing. Allele origin: germline.
Comment: This sequence change replaces methionine with threonine at codon 217 of the COL1A1 protein (p.Met217Thr). The methionine residue is highly conserved and there is a moderate physicochemical difference between methionine and threonine. This variant is not present in population databases (ExAC no frequency). This variant has not been reported in the literature in individuals with COL1A1-related conditions. Algorithms developed to predict the effect of missense changes on protein structure and function are either unavailable or do not agree on the potential impact of this missense change (SIFT: "Deleterious"; PolyPhen-2: "Not Available"; Align-GVGD: "Class C65"). In summary, the available evidence is currently insufficient to determine the role of this variant in disease. Therefore, it has been classified as a Variant of Uncertain Significance.